The following is an entry in ClinVar:

NM_000532.5(PCCB):c.825dup (p.Asn276fs)

Gene: PCCB (propionyl-CoA carboxylase subunit beta; plus strand). Cytogenetic location: 3q22.3.
Variant type: Duplication.
Coding change: c.825dup on transcript NM_000532.5 (MANE Select); coding-DNA position 825, one base duplicated (C; older notation c.825dupC).
Protein change: p.Asn276fs; shifts the reading frame from asparagine 276.
Molecular consequence: frameshift variant.
Genome position (GRCh38, 1-based): chr3:136,298,013, C duplicated. VCF-style (leftmost placement, unchanged base first): chr3-136298012-T-TC. GRCh37 (hg19) VCF-style: chr3-136016854-T-TC.
Other names: c.825dupC (NM_000532.4); c.885dup, p.Asn296fs (NM_001178014.2); short protein forms N276fs, N296fs.
Identifiers: ClinVar variation 567152 (VCV000567152.4), dbSNP rs748393514, ClinGen allele CA2631884.

ClinVar aggregate classification (germline): Pathogenic (1 of 4 stars; one submission).

Conditions:
Propionic acidemia (PROP). Also called: GLYCINEMIA, KETOTIC; HYPERGLYCINEMIA WITH KETOACIDOSIS AND LEUKOPENIA; KETOTIC HYPERGLYCINEMIA. Identifiers: Orphanet 35, MedGen C0268579, MONDO:0011628, OMIM 606054, HP:0003571.

Allele frequency attached by ClinVar (database versions not stated): gnomAD exomes below 0.00001; ExAC 0.00001; gnomAD 0.00001.

Submission:

Labcorp Genetics (formerly Invitae), Labcorp
Classification: Pathogenic for Propionic acidemia. Last evaluated: 2024-01-29. Review status: criteria provided, single submitter. Criteria: Invitae Variant Classification Sherloc (09022015). Collection method: clinical testing. Allele origin: germline.
Comment: This sequence change creates a premature translational stop signal (p.Asn276Glnfs*15) in the PCCB gene. It is expected to result in an absent or disrupted protein product. Loss-of-function variants in PCCB are known to be pathogenic (PMID: 15464417). This variant is present in population databases (rs748393514, gnomAD 0.008%). This variant has not been reported in the literature in individuals affected with PCCB-related conditions. ClinVar contains an entry for this variant (Variation ID: 567152). For these reasons, this variant has been classified as Pathogenic.

Literature cited by the submitters: PubMed 15464417.